The following is an entry in ClinVar:

NM_017934.7(PHIP):c.1826G>A (p.Arg609His)

Gene: PHIP (PHIP subunit of CUL4-Ring ligase complex; minus strand). Cytogenetic location: 6q14.1.
Variant type: single nucleotide variant.
Coding change: c.1826G>A on transcript NM_017934.7 (MANE Select); coding-DNA position 1826, G replaced by A.
Protein change: p.Arg609His; replaces arginine 609 with histidine.
Molecular consequence: missense variant.
Genome position (GRCh38, 1-based): chr6:79,001,952, C>T on the plus strand (G>A on the coding strand, the complement: PHIP is on the minus strand). VCF-style: chr6-79001952-C-T. GRCh37 (hg19) VCF-style: chr6-79711669-C-T.
Other names: c.1826G>A (NM_017934.6); short protein forms R609H.
Identifiers: ClinVar variation 3384816 (VCV003384816.2).

ClinVar aggregate classification (germline): Uncertain significance. Review status: criteria provided, multiple submitters, no conflicts (2 of 4 stars). 2 submissions from 2 submitters: Uncertain significance (2). Last evaluated 2026-06-22.

Conditions:
PHIP-related disorder. Also called: PHIP-related disorders; PHIP-related condition.

gnomAD v4.1: 3 of 1,613,044 alleles (0.00019%); highest among the groups gnomAD compares: Middle Eastern, 0.016%; no homozygotes.

Submissions (2):

PreventionGenetics, part of Exact Sciences
Classification: Uncertain significance for PHIP-related condition. Last evaluated: 2026-06-22. Review status: criteria provided, single submitter. Criteria: ACMG Guidelines, 2015. Collection method: clinical testing. Allele origin: germline.
Comment: The PHIP c.1826G>A variant is predicted to result in the amino acid substitution p.Arg609His. To our knowledge, this variant has not been reported in the literature. This variant is reported in 0.00088% of alleles in individuals of European (Non-Finnish) descent in gnomAD. At this time, the clinical significance of this variant is uncertain due to the absence of conclusive functional and genetic evidence.

Women's Health and Genetics/Laboratory Corporation of America, LabCorp
Classification: Uncertain significance. Last evaluated: 2024-10-09. Review status: criteria provided, single submitter. Criteria: LabCorp Variant Classification Summary - May 2015. Collection method: clinical testing. Allele origin: germline.
Comment: Variant summary: PHIP c.1826G>A (p.Arg609His) results in a non-conservative amino acid change in the encoded protein sequence. Four of five in-silico tools predict a damaging effect of the variant on protein function. The variant allele was found at a frequency of 4e-06 in 250900 control chromosomes. The available data on variant occurrences in the general population are insufficient to allow any conclusion about variant significance. To our knowledge, no occurrence of c.1826G>A in individuals affected with Developmental Delay, Intellectual Disability, Obesity, And Dysmorphic Features and no experimental evidence demonstrating its impact on protein function have been reported. No submitters have cited clinical-significance assessments for this variant to ClinVar. Based on the evidence outlined above, the variant was classified as uncertain significance.